The following is an entry in ClinVar:

NM_001276270.2(MBD4):c.1450G>T (p.Val484Leu)

Gene: MBD4 (methyl-CpG binding domain 4, DNA glycosylase; minus strand). Cytogenetic location: 3q21.3.
Variant type: single nucleotide variant.
Coding change: c.1450G>T on transcript NM_001276270.2 (MANE Select); coding-DNA position 1450, G replaced by T.
Protein change: p.Val484Leu; replaces valine 484 with leucine.
Molecular consequence: missense variant.
Genome position (GRCh38, 1-based): chr3:129,433,191, C>A on the plus strand (G>T on the coding strand, the complement: MBD4 is on the minus strand). VCF-style: chr3-129433191-C-A. GRCh37 (hg19) VCF-style: chr3-129152034-C-A.
Other names: c.1468G>T, p.Val490Leu (NM_001276271.2, NM_001276272.2, NM_003925.3); c.514G>T, p.Val172Leu (NM_001276273.2); short protein forms V490L, V484L, V172L.
Identifiers: ClinVar variation 5024024 (VCV005024024.1).

ClinVar aggregate classification (germline): Uncertain significance (1 of 4 stars; one submission).

Conditions:
Inborn genetic diseases. Identifiers: MedGen C0950123, MeSH D030342.

Submission:

Ambry Genetics
Classification: Uncertain significance for Inborn genetic diseases. Last evaluated: 2026-07-21. Review status: criteria provided, single submitter. Criteria: Ambry Variant Classification Scheme 2023. Collection method: clinical testing. Allele origin: germline.
Comment: The p.V484L variant (also known as c.1450G>T), located in coding exon 6 of the MBD4 gene, results from a G to T substitution at nucleotide position 1450. The valine at codon 484 is replaced by leucine, an amino acid with highly similar properties. This amino acid position is conserved. In addition, this alteration is predicted to be tolerated by in silico analysis. Based on the available evidence, the clinical significance of this variant remains unclear.